The following is an entry in ClinVar:

ClinVar aggregate classification (germline): Pathogenic (1 of 4 stars; one submission).

Conditions:
Familial thoracic aortic aneurysm and aortic dissection (TAAD). Also called: Thoracic aortic aneurysms and dissections. Identifiers: Orphanet 91387, MedGen C4707243, MONDO:0019625.
Marfan syndrome (MFS). Also called: Marfan syndrome type 1; Marfan syndrome, classic; Marfan's syndrome; FBN1-Related Marfan Syndrome; MARFAN SYNDROME, TYPE I. Identifiers: Orphanet 284963, Orphanet 558, MedGen C0024796, MONDO:0007947, OMIM 154700.

Submission:

Labcorp Genetics (formerly Invitae), Labcorp
Classification: Pathogenic for Marfan syndrome; Familial thoracic aortic aneurysm and aortic dissection. Last evaluated: 2017-11-15. Review status: criteria provided, single submitter. Criteria: Invitae Variant Classification Sherloc (09022015). Collection method: clinical testing. Allele origin: germline.
Comment: This sequence change creates a premature translational stop signal (p.Gly1656Glufs*26) in the FBN1 gene. It is expected to result in an absent or disrupted protein product. This variant is not present in population databases (ExAC no frequency). This variant has not been reported in the literature in individuals with FBN1-related disease. Loss-of-function variants in FBN1 are known to be pathogenic (PMID: 17657824, 19293843). For these reasons, this variant has been classified as Pathogenic.

NM_000138.5(FBN1):c.4965del (p.Gly1656fs)

Gene: FBN1 (fibrillin 1; minus strand). Cytogenetic location: 15q21.1.
Variant type: Deletion.
Coding change: c.4965del on transcript NM_000138.5 (MANE Select); coding-DNA position 4965, one base deleted (T; older notation c.4965delT).
Protein change: p.Gly1656fs; shifts the reading frame from glycine 1656.
Molecular consequence: frameshift variant.
Genome position (GRCh38, 1-based): chr15:48,463,999, A deleted on the plus strand (T on the coding strand, the reverse complement: FBN1 is on the minus strand). VCF-style (leftmost placement, unchanged base first): chr15-48463998-CA-C. GRCh37 (hg19) VCF-style: chr15-48756195-CA-C.
Other names: c.4965delT (NM_000138.4); short protein forms G1656fs.
Identifiers: ClinVar variation 527139 (VCV000527139.1), dbSNP rs1555396861, ClinGen allele CA658798329.